The following is an entry in ClinVar:

ClinVar aggregate classification (germline): Uncertain significance. Review status: criteria provided, multiple submitters, no conflicts (2 of 4 stars). 2 submissions from 2 submitters: Uncertain significance (2). Last evaluated 2026-01-22.

Conditions:
Cryopyrin associated periodic syndrome (CAPS). Identifiers: Orphanet 208650, MedGen C2316212, MONDO:0016168.

Allele frequency attached by ClinVar (database versions not stated): ExAC 0.00002; gnomAD exomes 0.00003; TOPMed 0.00001; gnomAD 0.00001.
gnomAD v4.1: 12 of 1,614,092 alleles (0.00074%); highest among the groups gnomAD compares: Admixed American, 0.012%; no homozygotes.

Submissions (2):

Dasa
Classification: Uncertain significance. Last evaluated: 2026-01-22. Review status: criteria provided, single submitter. Criteria: DASA Assertion Criteria. Collection method: clinical testing. Allele origin: germline.
Comment: NM_001243133.2(NLRP3):c.1588A>G (p.Met530Val) is a missense variant that results in the substitution of methionine with valine. This variant is rare in population databases. Computational prediction algorithms are consistent with a deleterious effect. The currently available literature and clinical evidence are not sufficient to establish a definitive association between this variant and the reported condition. Therefore, this variant is classified as a variant of uncertain significance.

Labcorp Genetics (formerly Invitae), Labcorp
Classification: Uncertain significance for Cryopyrin associated periodic syndrome. Last evaluated: 2025-07-30. Review status: criteria provided, single submitter. Criteria: Invitae Variant Classification Sherloc (09022015). Collection method: clinical testing. Allele origin: germline.
Comment: This sequence change replaces methionine, which is neutral and non-polar, with valine, which is neutral and non-polar, at codon 532 of the NLRP3 protein (p.Met532Val). This variant is present in population databases (rs768151734, gnomAD 0.01%). This variant has not been reported in the literature in individuals affected with NLRP3-related conditions. ClinVar contains an entry for this variant (Variation ID: 652418). Invitae Evidence Modeling of protein sequence and biophysical properties (such as structural, functional, and spatial information, amino acid conservation, physicochemical variation, residue mobility, and thermodynamic stability) has been performed for this missense variant. However, the output from this modeling did not meet the statistical confidence thresholds required to predict the impact of this variant on NLRP3 protein function. In summary, the available evidence is currently insufficient to determine the role of this variant in disease. Therefore, it has been classified as a Variant of Uncertain Significance.

NM_001243133.2(NLRP3):c.1588A>G (p.Met530Val)

Gene: NLRP3 (NLR family pyrin domain containing 3; plus strand). Cytogenetic location: 1q44.
Variant type: single nucleotide variant.
Coding change: c.1588A>G on transcript NM_001243133.2 (MANE Select); coding-DNA position 1588, A replaced by G.
Protein change: p.Met530Val; replaces methionine 530 with valine.
Molecular consequence: missense variant.
Genome position (GRCh38, 1-based): chr1:247,425,037, A>G. VCF-style: chr1-247425037-A-G. GRCh37 (hg19) VCF-style: chr1-247588339-A-G.
Other names: c.1588A>G, p.Met530Val (NM_001127462.3, NM_183395.3, NM_001079821.3 and 1 more transcripts); c.1594A>G, p.Met532Val (NM_004895.5); short protein forms M532V, M530V.
Identifiers: ClinVar variation 652418 (VCV000652418.8), dbSNP rs768151734, ClinGen allele CA1495041.
Genomic context (GRCh38, chr1:247,425,037, plus strand): 5'-GTGGACTGCGAGAAGTTCTACAGCTTCATCCACATGACTTTCCAGGAGTTCTTTGCCGCC[A>G]TGTACTACCTGCTGGAAGAGGAAAAGGAAGGAAGGACGAACGTTCCAGGGAGTCGTTTGA-3'
Protein context (NP_001230062.1, residues 520-540): HMTFQEFFAA[Met530Val]YYLLEEEKEG